The following is an entry in ClinVar:

ClinVar aggregate classification (germline): Uncertain significance. Review status: criteria provided, multiple submitters, no conflicts (2 of 4 stars). 2 submissions from 2 submitters: Uncertain significance (2). Last evaluated 2025-11-24.

Conditions:
Inborn genetic diseases. Identifiers: MedGen C0950123, MeSH D030342.

Allele frequency attached by ClinVar (database versions not stated): gnomAD 0.00001; gnomAD exomes 0.00001 and 0.00099.
gnomAD v4.1: 15 of 1,325,688 alleles (0.0011%); highest among the groups gnomAD compares: South Asian, 0.024%; no homozygotes.

Submissions (2):

Ambry Genetics
Classification: Uncertain significance for Inborn genetic diseases. Last evaluated: 2025-11-24. Review status: criteria provided, single submitter. Criteria: Ambry Variant Classification Scheme 2023. Collection method: clinical testing. Allele origin: germline.

Labcorp Genetics (formerly Invitae), Labcorp
Classification: Uncertain significance. Last evaluated: 2020-03-27. Review status: criteria provided, single submitter. Criteria: Invitae Variant Classification Sherloc (09022015). Collection method: clinical testing. Allele origin: germline.
Comment: Algorithms developed to predict the effect of missense changes on protein structure and function are either unavailable or do not agree on the potential impact of this missense change (SIFT: "Tolerated"; PolyPhen-2: "Not Available"; Align-GVGD: "Class C0"). This sequence change replaces glycine with aspartic acid at codon 95 of the HMX1 protein (p.Gly95Asp). The glycine residue is moderately conserved and there is a moderate physicochemical difference between glycine and aspartic acid. The frequency data for this variant in the population databases is considered unreliable, as metrics indicate poor data quality at this position in the ExAC database. This variant has not been reported in the literature in individuals with HMX1-related conditions. In summary, the available evidence is currently insufficient to determine the role of this variant in disease. Therefore, it has been classified as a Variant of Uncertain Significance.

NM_018942.3(HMX1):c.284G>A (p.Gly95Asp)

Gene: HMX1 (H6 family homeobox 1; minus strand). Cytogenetic location: 4p16.1.
Variant type: single nucleotide variant.
Coding change: c.284G>A on transcript NM_018942.3 (MANE Select); coding-DNA position 284, G replaced by A.
Protein change: p.Gly95Asp; replaces glycine 95 with aspartic acid.
Molecular consequence: missense variant.
Genome position (GRCh38, 1-based): chr4:8,871,331, C>T on the plus strand (G>A on the coding strand, the complement: HMX1 is on the minus strand). VCF-style: chr4-8871331-C-T. GRCh37 (hg19) VCF-style: chr4-8873057-C-T.
Other names: c.284G>A, p.Gly95Asp (NM_001306142.2); c.284G>A (NM_018942.2); short protein forms G95D.
Identifiers: ClinVar variation 1051479 (VCV001051479.10), dbSNP rs771451274, ClinGen allele CA2854316.